The following is an entry in ClinVar:

NM_000321.3(RB1):c.1024A>T (p.Thr342Ser)

Gene: RB1 (RB transcriptional corepressor 1; plus strand). Cytogenetic location: 13q14.2.
Variant type: single nucleotide variant.
Coding change: c.1024A>T on transcript NM_000321.3 (MANE Select); coding-DNA position 1024, A replaced by T.
Protein change: p.Thr342Ser; replaces threonine 342 with serine.
Molecular consequence: missense variant.
Genome position (GRCh38, 1-based): chr13:48,367,578, A>T. VCF-style: chr13-48367578-A-T. GRCh37 (hg19) VCF-style: chr13-48941714-A-T.
Other names: short protein forms T342S.
Identifiers: ClinVar variation 572181 (VCV000572181.16), dbSNP rs751263356, ClinGen allele CA027361.

ClinVar aggregate classification (germline): Uncertain significance. Review status: criteria provided, multiple submitters, no conflicts (2 of 4 stars). 5 submissions from 5 submitters: Uncertain significance (5). Last evaluated 2025-11-06.

Conditions:
Hereditary cancer-predisposing syndrome. Also called: Hereditary neoplastic syndrome; Tumor predisposition; Neoplastic Syndromes, Hereditary; Hereditary Cancer Syndrome. Identifiers: Orphanet 140162, MedGen C0027672, MeSH D009386, MONDO:0015356.
Retinoblastoma (RB1). Also called: RETINOBLASTOMA, SOMATIC. Identifiers: Orphanet 790, MedGen C0035335, MeSH D012175, MONDO:0008380, OMIM 180200, HP:0009919. Disease mechanism: loss of function. Inheritance: Both sporadic and heritable forms are tested..

Allele frequency attached by ClinVar (database versions not stated): gnomAD exomes below 0.00001; TOPMed below 0.00001; ExAC 0.00001; gnomAD 0.00001.
gnomAD v4.1: 2 of 1,604,334 alleles (0.00012%); highest among the groups gnomAD compares: African/African-American, 0.0027%; no homozygotes.

Submissions (5):

Women's Health and Genetics/Laboratory Corporation of America, LabCorp
Classification: Uncertain significance. Last evaluated: 2025-11-06. Review status: criteria provided, single submitter. Criteria: LabCorp Variant Classification Summary - May 2015. Collection method: clinical testing. Allele origin: germline.
Comment: Variant summary: RB1 c.1024A>T (p.Thr342Ser) results in a conservative amino acid change in the encoded protein sequence. Algorithms developed to predict the effect of missense changes on protein structure and function are either unavailable or do not agree on the potential impact of this missense change. The variant allele was found at a frequency of 4e-06 in 249594 control chromosomes. The available data on variant occurrences in the general population are insufficient to allow any conclusion about variant significance. To our knowledge, no occurrence of c.1024A>T in individuals affected with RB1-related conditions and no experimental evidence demonstrating its impact on protein function have been reported. ClinVar contains an entry for this variant (Variation ID: 572181). Based on the evidence outlined above, the variant was classified as uncertain significance.

Labcorp Genetics (formerly Invitae), Labcorp
Classification: Uncertain significance for Retinoblastoma. Last evaluated: 2024-11-16. Review status: criteria provided, single submitter. Criteria: Invitae Variant Classification Sherloc (09022015). Collection method: clinical testing. Allele origin: germline.
Comment: This sequence change replaces threonine, which is neutral and polar, with serine, which is neutral and polar, at codon 342 of the RB1 protein (p.Thr342Ser). This variant is present in population databases (rs751263356, gnomAD 0.007%). This variant has not been reported in the literature in individuals affected with RB1-related conditions. ClinVar contains an entry for this variant (Variation ID: 572181). Invitae Evidence Modeling of protein sequence and biophysical properties (such as structural, functional, and spatial information, amino acid conservation, physicochemical variation, residue mobility, and thermodynamic stability) indicates that this missense variant is not expected to disrupt RB1 protein function with a negative predictive value of 80%. In summary, the available evidence is currently insufficient to determine the role of this variant in disease. Therefore, it has been classified as a Variant of Uncertain Significance.

GeneDx
Classification: Uncertain significance. Last evaluated: 2024-09-05. Review status: criteria provided, single submitter. Criteria: GeneDx Variant Classification Process June 2021. Collection method: clinical testing. Allele origin: germline. Affected: yes.
Comment: Not observed at significant frequency in large population cohorts (gnomAD); In silico analysis indicates that this missense variant does not alter protein structure/function; Has not been previously published as pathogenic or benign to our knowledge; This variant is associated with the following publications: (PMID: 23516486)

Ambry Genetics
Classification: Uncertain significance for Hereditary cancer-predisposing syndrome. Last evaluated: 2024-04-28. Review status: criteria provided, single submitter. Criteria: Ambry Variant Classification Scheme 2023. Collection method: clinical testing. Allele origin: germline.
Comment: The p.T342S variant (also known as c.1024A>T), located in coding exon 10 of the RB1 gene, results from an A to T substitution at nucleotide position 1024. The threonine at codon 342 is replaced by serine, an amino acid with similar properties. This amino acid position is highly conserved in available vertebrate species. In addition, the in silico prediction for this alteration is inconclusive. Since supporting evidence is limited at this time, the clinical significance of this alteration remains unclear.

All of Us Research Program, National Institutes of Health
Classification: Uncertain significance for Retinoblastoma. Last evaluated: 2023-11-20. Review status: criteria provided, single submitter. Criteria: ACMG Guidelines, 2015. Collection method: clinical testing. Allele origin: germline. Inheritance: Autosomal dominant inheritance. Observed: 1 variant allele, 1 heterozygote.
Comment: This missense variant replaces threonine with serine at codon 342 of the RB1 protein. Computational prediction suggests that this variant may not impact protein structure and function (internally defined REVEL score threshold <= 0.5, PMID: 27666373). To our knowledge, functional studies have not been reported for this variant. This variant has not been reported in individuals affected with RB1-related disorders in the literature. This variant has been identified in 1/249594 chromosomes in the general population by the Genome Aggregation Database (gnomAD). The available evidence is insufficient to determine the role of this variant in disease conclusively. Therefore, this variant is classified as a Variant of Uncertain Significance.

This study involves interpretation of variants in research participants for the purpose of population health screening. Participant phenotype was not available at the time of variant classification. Additional details can be found in publication PMID: 35346344, PMCID: PMC8962531